The following is an entry in ClinVar:

NM_203446.3(SYNJ1):c.1281A>G (p.Ser427=)

Gene: SYNJ1 (synaptojanin 1; minus strand). Cytogenetic location: 21q22.11.
Variant type: single nucleotide variant.
Coding change: c.1281A>G on transcript NM_203446.3 (MANE Select); coding-DNA position 1281, A replaced by G.
Protein change: p.Ser427=; no amino-acid change (serine 427 retained).
Molecular consequence: synonymous variant.
Genome position (GRCh38, 1-based): chr21:32,681,568, T>C on the plus strand (A>G on the coding strand, the complement: SYNJ1 is on the minus strand). VCF-style: chr21-32681568-T-C. GRCh37 (hg19) VCF-style: chr21-34053878-T-C.
Other names: p.Ser466=; c.1281A>G, p.Ser427= (NM_001160302.2, NM_001160306.2); c.1398A>G, p.Ser466= (NM_003895.4); c.1398A>G (NM_003895.3).
Identifiers: ClinVar variation 1654746 (VCV001654746.9), dbSNP rs1256463338, ClinGen allele CA512164958.
Genomic context (GRCh38, chr21:32,681,568, plus strand): 5'-TTCAAGAGCTCCAGTTCCTGCATATATCTTACTGATTGAATCACCATTCACGGACCACAT[T>C]GACCGAAAAACTTCTTGAAAGCGAGTCACCAACTGAGGCTTTTCAGCTAAACCAAGAGCT-3'
Protein context (NP_982271.3, residues 417-437): LVTRFQEVFR[Ser427=]MWSVNGDSIS

ClinVar aggregate classification (germline): Likely benign. Review status: criteria provided, multiple submitters, no conflicts (2 of 4 stars). 2 submissions from 2 submitters: Likely benign (2). Last evaluated 2025-03-11.

Conditions:
Early-onset Parkinson disease 20. Also called: PARKINSON DISEASE 20, AUTOSOMAL RECESSIVE EARLY-ONSET. Identifiers: Orphanet 391411, MedGen C3809824, MONDO:0014233, OMIM 615530.
Developmental and epileptic encephalopathy, 53. Also called: Epileptic encephalopathy, early infantile, 53. Identifiers: MedGen C4479313, MONDO:0033362, OMIM 617389.

Allele frequency attached by ClinVar (database versions not stated): gnomAD 0.00001; TOPMed 0.00002.
gnomAD v4.1: 1 of 1,613,806 alleles (0.000062%); highest among the groups gnomAD compares: African/African-American, 0.0013%; no homozygotes.

Submissions (2):

Mayo Clinic Laboratories, Mayo Clinic
Classification: Likely benign. Last evaluated: 2025-03-11. Review status: criteria provided, single submitter. Criteria: ACMG Guidelines, 2015. Collection method: clinical testing. Allele origin: germline. Observed: 1 variant allele.
Comment: BP4, BP7

Labcorp Genetics (formerly Invitae), Labcorp
Classification: Likely benign for Developmental and epileptic encephalopathy, 53; Early-onset Parkinson disease 20. Last evaluated: 2024-06-13. Review status: criteria provided, single submitter. Criteria: Invitae Variant Classification Sherloc (09022015). Collection method: clinical testing. Allele origin: germline.